The following is an entry in ClinVar:

ClinVar aggregate classification (germline): Likely pathogenic (1 of 4 stars; one submission).

Conditions:
Cholestasis, progressive familial intrahepatic, 8. Identifiers: MedGen C5562045, MONDO:0030505, OMIM 619662.

Submission:

3billion
Classification: Likely pathogenic for Cholestasis, progressive familial intrahepatic, 8. Last evaluated: 2024-11-02. Review status: criteria provided, single submitter. Criteria: ACMG Guidelines, 2015. Collection method: clinical testing. Allele origin: germline. Affected: yes.
Comment: The variant is not observed in the gnomAD v4.1.0 dataset. Predicted Consequence/Location: Canonical splice site: predicted to alter splicing and result in a loss or disruption of normal protein function. Multiple pathogenic loss-of-function variants are reported downstream of the variant. In silico tools predict the variant to alter splicing and produce an abnormal transcript [SpliceAI: 0.59 (spliceogenicity >=0.2, non-spliceogenicity <0.1)]. Therefore, this variant is classified as Likely pathogenic according to the recommendation of ACMG/AMP guideline.

NM_001388308.1(KIF12):c.92+2T>C

Gene: KIF12 (kinesin family member 12; minus strand). Cytogenetic location: 9q32.
Variant type: single nucleotide variant.
Coding change: c.92+2T>C on transcript NM_001388308.1 (MANE Select); the canonical splice donor site of the intron after coding-DNA position 92, T replaced by C.
Molecular consequence: splice donor variant.
Genome position (GRCh38, 1-based): chr9:114,099,102, A>G on the plus strand (T>C on the coding strand, the complement: KIF12 is on the minus strand). VCF-style: chr9-114099102-A-G. GRCh37 (hg19) VCF-style: chr9-116861382-A-G.
Identifiers: ClinVar variation 4293689 (VCV004293689.1).